The following is an entry in ClinVar:

ClinVar aggregate classification (germline): Pathogenic/Likely pathogenic. Review status: criteria provided, multiple submitters, no conflicts (2 of 4 stars). 3 submissions from 3 submitters: Pathogenic (2); Likely pathogenic (1). Last evaluated 2022-11-09.

Conditions:
Familial hypocalciuric hypercalcemia (FHH). Also called: Familial benign hypercalcemia. Identifiers: Orphanet 405, MedGen C1809471, MONDO:0018458.
Autosomal dominant hypocalcemia 1 (HYPOC1). Also called: HYPOCALCEMIA, FAMILIAL. Identifiers: MedGen C3715128, MONDO:0011013, OMIM 601198.

Allele frequency attached by ClinVar (database versions not stated): gnomAD exomes below 0.00001.

Submissions (3):

Labcorp Genetics (formerly Invitae), Labcorp
Classification: Pathogenic for Familial hypocalciuric hypercalcemia; Autosomal dominant hypocalcemia 1. Last evaluated: 2022-11-09. Review status: criteria provided, single submitter. Criteria: Invitae Variant Classification Sherloc (09022015). Collection method: clinical testing. Allele origin: germline.
Comment: This variant is not present in population databases (gnomAD no frequency). This sequence change creates a premature translational stop signal (p.Arg185Glnfs*72) in the CASR gene. It is expected to result in an absent or disrupted protein product. Loss-of-function variants in CASR are known to be pathogenic (PMID: 11807402, 14985373, 22422767). This variant has not been reported in the literature in individuals affected with CASR-related conditions. ClinVar contains an entry for this variant (Variation ID: 35801). For these reasons, this variant has been classified as Pathogenic.

Athena Diagnostics
Classification: Pathogenic. Last evaluated: 2022-08-09. Review status: criteria provided, single submitter. Criteria: Athena Diagnostics Criteria. Collection method: clinical testing. Allele origin: unknown.
Comment: This variant is expected to result in the loss of a functional protein. This variant has not been reported in large, multi-ethnic general populations. This variant has been identified in at least one individual tested at Athena Diagnostics with clinical features associated with this gene.

Women's Health and Genetics/Laboratory Corporation of America, LabCorp
Classification: Likely pathogenic for Familial Hypocalciuric Hypercalcemia. Last evaluated: 2011-08-18. Review status: criteria provided, single submitter. Criteria: LabCorp Variant Classification Summary - May 2015. Collection method: curation, clinical testing. Allele origin: germline. Inheritance: autosomal unknown. Affected: yes.
ClinVar note: Converted during submission from likely pathogenic to Likely pathogenic.

Literature cited by the submitters: PubMed 11807402 (cited by Labcorp Genetics (formerly Invitae), Labcorp); PubMed 14985373 (cited by Labcorp Genetics (formerly Invitae), Labcorp); PubMed 22422767 (cited by Labcorp Genetics (formerly Invitae), Labcorp).

NM_000388.4(CASR):c.554del (p.Arg185fs)

Gene: CASR (calcium sensing receptor; plus strand). Cytogenetic location: 3q21.1.
Variant type: Deletion.
Coding change: c.554del on transcript NM_000388.4 (MANE Select); coding-DNA position 554, one base deleted (G; older notation c.554delG).
Protein change: p.Arg185fs; shifts the reading frame from arginine 185.
Molecular consequence: frameshift variant.
Genome position (GRCh38, 1-based): chr3:122,261,589, G deleted. VCF-style (leftmost placement, unchanged base first): chr3-122261588-CG-C. GRCh37 (hg19) VCF-style: chr3-121980435-CG-C.
Other names: c.554del, p.Arg185fs (NM_001178065.2); c.554delG (NM_000388.3); short protein forms R185fs.
Identifiers: ClinVar variation 35801 (VCV000035801.9), dbSNP rs193922442, ClinGen allele CA213603.